The following is an entry in ClinVar:

ClinVar aggregate classification (germline): Uncertain significance (1 of 4 stars; one submission).

Conditions:
Leber congenital amaurosis 17 (LCA17). Identifiers: Orphanet 65, MedGen C3715164, MONDO:0014145, OMIM 615360.
Isolated microphthalmia 4. Identifiers: Orphanet 2542, MedGen C2751307, MONDO:0013130, OMIM 613094.
Klippel-Feil syndrome 1, autosomal dominant (KFS1). Also called: CERVICAL VERTEBRAL FUSION, AUTOSOMAL DOMINANT. Identifiers: Orphanet 2345, MedGen C1861689, MONDO:0007306, OMIM 118100.
Microphthalmia, isolated, with coloboma 6 (MCOPCB6). Also called: Microphthalmia with coloboma 6, digenic; Microphthalmia with coloboma 6; MICROPHTHALMIA/COLOBOMA 6. Identifiers: Orphanet 98938, MedGen C3150968, MONDO:0013376, OMIM 613703.

Allele frequency attached by ClinVar (database versions not stated): TOPMed below 0.00001.
gnomAD v4.1: 3 of 1,614,030 alleles (0.00019%); highest among the groups gnomAD compares: South Asian, 0.0011%; no homozygotes.

Submission:

Labcorp Genetics (formerly Invitae), Labcorp
Classification: Uncertain significance for Isolated microphthalmia 4; Leber congenital amaurosis 17; Klippel-Feil syndrome 1, autosomal dominant; Microphthalmia, isolated, with coloboma 6. Last evaluated: 2021-10-20. Review status: criteria provided, single submitter. Criteria: Invitae Variant Classification Sherloc (09022015). Collection method: clinical testing. Allele origin: germline.
Comment: This variant has not been reported in the literature in individuals affected with GDF6-related conditions. This variant is not present in population databases (ExAC no frequency). This sequence change replaces histidine with glutamine at codon 360 of the GDF6 protein (p.His360Gln). The histidine residue is highly conserved and there is a small physicochemical difference between histidine and glutamine. In summary, the available evidence is currently insufficient to determine the role of this variant in disease. Therefore, it has been classified as a Variant of Uncertain Significance. Algorithms developed to predict the effect of missense changes on protein structure and function are either unavailable or do not agree on the potential impact of this missense change (SIFT: "Deleterious"; PolyPhen-2: "Probably Damaging"; Align-GVGD: "Class C0").

NM_001001557.4(GDF6):c.1080C>A (p.His360Gln)

Gene: GDF6 (growth differentiation factor 6; minus strand). Cytogenetic location: 8q22.1.
Variant type: single nucleotide variant.
Coding change: c.1080C>A on transcript NM_001001557.4 (MANE Select); coding-DNA position 1080, C replaced by A.
Protein change: p.His360Gln; replaces histidine 360 with glutamine.
Molecular consequence: missense variant.
Genome position (GRCh38, 1-based): chr8:96,144,851, G>T on the plus strand (C>A on the coding strand, the complement: GDF6 is on the minus strand). VCF-style: chr8-96144851-G-T. GRCh37 (hg19) VCF-style: chr8-97157079-G-T.
Other names: short protein forms H360Q.
Identifiers: ClinVar variation 1421034 (VCV001421034.6), dbSNP rs1812443639, ClinGen allele CA371751131.